The following is an entry in ClinVar:

NM_006269.2(RP1):c.1483A>C (p.Lys495Gln)

Gene: RP1 (RP1 axonemal microtubule associated; plus strand). Cytogenetic location: 8q12.1.
Variant type: single nucleotide variant.
Coding change: c.1483A>C on transcript NM_006269.2 (MANE Select); coding-DNA position 1483, A replaced by C.
Protein change: p.Lys495Gln; replaces lysine 495 with glutamine.
Molecular consequence: missense variant. On other transcripts: intron variant (1).
Genome position (GRCh38, 1-based): chr8:54,625,365, A>C. VCF-style: chr8-54625365-A-C. GRCh37 (hg19) VCF-style: chr8-55537925-A-C.
Other names: c.787+3077A>C (NM_001375654.1); short protein forms K495Q.
Identifiers: ClinVar variation 2812886 (VCV002812886.4), dbSNP rs749544156, ClinGen allele CA370990512.

ClinVar aggregate classification (germline): Uncertain significance. Review status: criteria provided, multiple submitters, no conflicts (2 of 4 stars). 2 submissions from 2 submitters: Uncertain significance (2). Last evaluated 2022-11-08.

Allele frequency attached by ClinVar (database versions not stated): gnomAD 0.00001; TOPMed 0.00002.
gnomAD v4.1: 1 of 1,614,020 alleles (0.000062%); highest among the groups gnomAD compares: Admixed American, 0.0017%; no homozygotes.

Submissions (2):

Labcorp Genetics (formerly Invitae), Labcorp
Classification: Uncertain significance. Last evaluated: 2022-11-08. Review status: criteria provided, single submitter. Criteria: Invitae Variant Classification Sherloc (09022015). Collection method: clinical testing. Allele origin: germline.
Comment: In summary, the available evidence is currently insufficient to determine the role of this variant in disease. Therefore, it has been classified as a Variant of Uncertain Significance. Algorithms developed to predict the effect of missense changes on protein structure and function (SIFT, PolyPhen-2, Align-GVGD) all suggest that this variant is likely to be disruptive. This variant has not been reported in the literature in individuals affected with RP1-related conditions. This variant is not present in population databases (gnomAD no frequency). This sequence change replaces lysine, which is basic and polar, with glutamine, which is neutral and polar, at codon 495 of the RP1 protein (p.Lys495Gln).

Blueprint Genetics
Classification: Uncertain significance. Last evaluated: 2022-09-16. Review status: criteria provided, single submitter. Criteria: ACMG Guidelines, 2015. Collection method: clinical testing. Allele origin: germline.